The following is an entry in ClinVar:

ClinVar aggregate classification (germline): Uncertain significance (1 of 4 stars; one submission).

gnomAD v4.1: 1 of 1,611,920 alleles (0.000062%); highest among the groups gnomAD compares: Non-Finnish European, 0.000085%; no homozygotes.

Submission:

Laboratory for Molecular Medicine, Mass General Brigham Personalized Medicine
Classification: Uncertain significance. Last evaluated: 2012-07-03. Review status: criteria provided, single submitter. Criteria: LMM Criteria. Collection method: clinical testing. Allele origin: germline. Observed: 1 variant allele.
Comment: The Thr15476Ala variant in TTN has not been reported in the literature nor previ ously identified by our laboratory. In addition, this variant has not been ident ified in large and broad populations by the NHLBI Exome Sequencing Project. Computational analyses (biochemical amino acid pr operties, conservation, AlignGVGD, PolyPhen2, and SIFT) suggest that the Thr1547 6Ala variant may impact the protein, though this information is not predictive e nough to determine pathogenicity. Additional information is needed to fully asse ss the clinical significance of the Thr15476Ala variant.

NM_001267550.2(TTN):c.54130A>G (p.Thr18044Ala)

Genes: TTN (titin; minus strand), TTN-AS1 (TTN antisense RNA 1; plus strand). Cytogenetic location: 2q31.2.
Variant type: single nucleotide variant.
Coding change: c.54130A>G on transcript NM_001267550.2 (MANE Select); coding-DNA position 54130, A replaced by G.
Protein change: p.Thr18044Ala; replaces threonine 18044 with alanine.
Molecular consequence: missense variant. On other transcripts: non-coding transcript variant (1).
Genome position (GRCh38, 1-based): chr2:178,605,047, T>C on the plus strand (A>G on the coding strand, the complement: TTN is on the minus strand). VCF-style: chr2-178605047-T-C. GRCh37 (hg19) VCF-style: chr2-179469774-T-C.
Other names: c.49207A>G, p.Thr16403Ala (NM_001256850.1); c.26935A>G, p.Thr8979Ala (NM_003319.4); c.27310A>G, p.Thr9104Ala (NM_133432.3); c.27511A>G, p.Thr9171Ala (NM_133437.4); c.46426A>G, p.Thr15476Ala (NM_133378.4); short protein forms T18044A, T15476A, T8979A, T16403A, T9104A, T9171A.
Identifiers: ClinVar variation 47082 (VCV000047082.5), dbSNP rs397517616, ClinGen allele CA139950.
Genomic context (GRCh38, chr2:178,605,047, plus strand): 5'-CATATACTTCAACGTGAACATTTCGGAACACTGAGCCAAGGCGATTGGAAGCAGTAACTG[T>C]GTAAGTGCCTTTGTCCTCCCGGACCGCTTTGGGAATGCTAAGCTCAGTTTTTGCCTCACT-3'
Protein context (NP_001254479.2, residues 18034-18054): KAVREDKGTY[Thr18044Ala]VTASNRLGSV